The following is an entry in ClinVar:

NM_005055.5(RAPSN):c.1076C>T (p.Thr359Met)

Gene: RAPSN (receptor associated protein of the synapse; minus strand). Cytogenetic location: 11p11.2.
Variant type: single nucleotide variant.
Coding change: c.1076C>T on transcript NM_005055.5 (MANE Select); coding-DNA position 1076, C replaced by T.
Protein change: p.Thr359Met; replaces threonine 359 with methionine.
Molecular consequence: missense variant.
Genome position (GRCh38, 1-based): chr11:47,438,822, G>A on the plus strand (C>T on the coding strand, the complement: RAPSN is on the minus strand). VCF-style: chr11-47438822-G-A. GRCh37 (hg19) VCF-style: chr11-47460373-G-A.
Other names: c.899C>T, p.Thr300Met (NM_032645.5); short protein forms T300M, T359M.
Identifiers: ClinVar variation 1008321 (VCV001008321.9), dbSNP rs768394140, ClinGen allele CA5976509.
Genomic context (GRCh38, chr11:47,438,822, plus strand): 5'-GCCTGCAGCCGGCTGTTCTTCTCGCCTATGGACTCGCCGCACAGGCCGCAGTAGAGCTCC[G>A]TCTCCTCCACGCACTCGTGGAACCTCACAACGTGCGCCCGCAGTTCCCGCTGCAGCCCTT-3'
Protein context (NP_005046.2, residues 349-369): VVRFHECVEE[Thr359Met]ELYCGLCGES

ClinVar aggregate classification (germline): Uncertain significance. Review status: criteria provided, multiple submitters, no conflicts (2 of 4 stars). 3 submissions from 3 submitters: Uncertain significance (2). 1 of the submissions does not count toward it. Last evaluated 2026-01-12.

Conditions:
Congenital myasthenic syndrome 11. Also called: Myasthenic syndrome, congenital, 11, associated with acetylcholine receptor deficiency; MYASTHENIC SYNDROME, CONGENITAL, Ie. Identifiers: Orphanet 590, MedGen C4225367, MONDO:0014588, OMIM 616326.
Fetal akinesia deformation sequence 1 (FADS1). Also called: Pena-Shokeir syndrome type I; Fetal akinesia sequence. Identifiers: Orphanet 994, MedGen C1276035, MONDO:0100101, OMIM 208150, HP:0001989.
Congenital myasthenic syndrome (CMS). Also called: Congenital Myasthenic Syndromes. Identifiers: Orphanet 590, MedGen C0751882, MeSH D020294, MONDO:0018940.

Allele frequency attached by ClinVar (database versions not stated): gnomAD 0.00001; TOPMed 0.00001; gnomAD exomes 0.00002; ExAC 0.00003.

Submissions (3):

Labcorp Genetics (formerly Invitae), Labcorp
Classification: Uncertain significance for Congenital myasthenic syndrome 11; Fetal akinesia deformation sequence 1. Last evaluated: 2026-01-12. Review status: criteria provided, single submitter. Criteria: Invitae Variant Classification Sherloc (09022015). Collection method: clinical testing. Allele origin: germline.
Comment: This sequence change replaces threonine, which is neutral and polar, with methionine, which is neutral and non-polar, at codon 359 of the RAPSN protein (p.Thr359Met). The frequency data for this variant in the population databases is considered unreliable, as metrics indicate poor data quality at this position in the gnomAD database. This variant has not been reported in the literature in individuals affected with RAPSN-related conditions. ClinVar contains an entry for this variant (Variation ID: 1008321). Invitae Evidence Modeling of protein sequence and biophysical properties (such as structural, functional, and spatial information, amino acid conservation, physicochemical variation, residue mobility, and thermodynamic stability) indicates that this missense variant is not expected to disrupt RAPSN protein function with a negative predictive value of 95%. In summary, the available evidence is currently insufficient to determine the role of this variant in disease. Therefore, it has been classified as a Variant of Uncertain Significance.

Revvity Omics, Revvity
Classification: Uncertain significance. Last evaluated: 2024-05-30. Review status: criteria provided, single submitter. Criteria: ACMG Guidelines, 2015. Collection method: clinical testing. Allele origin: germline.

Natera, Inc.
Classification: Uncertain significance for Congenital myasthenic syndrome. Last evaluated: 2020-05-22. Review status: no assertion criteria provided. Collection method: clinical testing. Allele origin: germline. Not counted in ClinVar's aggregate classification.